The following is an entry in ClinVar:

NM_001070.5(TUBG1):c.179A>G (p.Tyr60Cys)

Gene: TUBG1 (tubulin gamma 1; plus strand). Cytogenetic location: 17q21.2.
Variant type: single nucleotide variant.
Coding change: c.179A>G on transcript NM_001070.5 (MANE Select); coding-DNA position 179, A replaced by G.
Protein change: p.Tyr60Cys; replaces tyrosine 60 with cysteine.
Molecular consequence: missense variant.
Genome position (GRCh38, 1-based): chr17:42,610,439, A>G. VCF-style: chr17-42610439-A-G. GRCh37 (hg19) VCF-style: chr17-40762457-A-G.
Other names: short protein forms Y60C.
Identifiers: ClinVar variation 3464365 (VCV003464365.3).

ClinVar aggregate classification (germline): Uncertain significance. Review status: criteria provided, multiple submitters, no conflicts (2 of 4 stars). 2 submissions from 2 submitters: Uncertain significance (2). Last evaluated 2026-04-13.

Conditions:
TUBG1-related disorder. Also called: TUBG1-related condition.
Inborn genetic diseases. Identifiers: MedGen C0950123, MeSH D030342.

Submissions (2):

PreventionGenetics, part of Exact Sciences
Classification: Uncertain significance for TUBG1-related condition. Last evaluated: 2026-04-13. Review status: criteria provided, single submitter. Criteria: ACMG Guidelines, 2015. Collection method: clinical testing. Allele origin: germline.
Comment: The TUBG1 c.179A>G variant is predicted to result in the amino acid substitution p.Tyr60Cys. To our knowledge, this variant has not been reported in the literature or in a large population database (gnomAD), indicating this variant is rare. At this time, the clinical significance of this variant is uncertain due to the absence of conclusive functional and genetic evidence.

Ambry Genetics
Classification: Uncertain significance for Inborn genetic diseases. Last evaluated: 2025-11-13. Review status: criteria provided, single submitter. Criteria: Ambry Variant Classification Scheme 2023. Collection method: clinical testing. Allele origin: germline.
Comment: The c.179A>G (p.Y60C) alteration is located in exon 3 (coding exon 3) of the TUBG1 gene. This alteration results from an A to G substitution at nucleotide position 179, causing the tyrosine (Y) at amino acid position 60 to be replaced by a cysteine (C). This variant was not reported in population-based cohorts in the Genome Aggregation Database (gnomAD). This amino acid position is highly conserved in available vertebrate species. This missense alteration is located in a region that has a low rate of benign missense variation (Lek, 2016; Firth, 2009). This alteration is predicted to be deleterious by in silico analysis. Based on insufficient or conflicting evidence, the clinical significance of this alteration remains unclear.